The following is an entry in ClinVar:

ClinVar aggregate classification (germline): Conflicting classifications of pathogenicity. Review status: criteria provided, conflicting classifications (1 of 4 stars). 7 submissions from 7 submitters: Pathogenic (1); Uncertain significance (4). 2 of the submissions do not count toward it. Last evaluated 2025-09-10.

Conditions:
Cardiovascular phenotype. Identifiers: MedGen CN230736.
Familial long QT syndrome (RWS). Also called: Romano-Ward syndrome; VENTRICULAR FIBRILLATION WITH PROLONGED QT INTERVAL; Congenital long QT syndrome. Identifiers: Orphanet 768, MedGen C1141890, MONDO:0019171.
Long QT syndrome 5 (LQT5). Identifiers: Orphanet 101016, Orphanet 768, MedGen C1867904, MONDO:0013372, OMIM 613695.
Jervell and Lange-Nielsen syndrome 2 (JLNS2). Identifiers: Orphanet 768, Orphanet 90647, MedGen C2676723, MONDO:0012871, OMIM 612347.
Long QT syndrome (LQTS). Identifiers: MedGen C0023976, MeSH D008133, MONDO:0002442. Disease mechanism: loss of function. Inheritance: Various modes of inheritance.

Allele frequency attached by ClinVar (database versions not stated): TOPMed 0.00001; 1000 Genomes Project 30x 0.00016; gnomAD 0.00001; gnomAD exomes 0.00001 and 0.00002; 1000 Genomes Project 0.00020; ExAC 0.00002.

Submissions (8):

Ambry Genetics
Classification: Uncertain significance for Cardiovascular phenotype. Last evaluated: 2025-09-10. Review status: criteria provided, single submitter. Criteria: Ambry Variant Classification Scheme 2023. Collection method: clinical testing. Allele origin: germline.

Labcorp Genetics (formerly Invitae), Labcorp
Classification: Pathogenic for Long QT syndrome. Last evaluated: 2025-03-05. Review status: criteria provided, single submitter. Criteria: Invitae Variant Classification Sherloc (09022015). Collection method: clinical testing. Allele origin: germline.
Comment: This sequence change replaces serine, which is neutral and polar, with leucine, which is neutral and non-polar, at codon 74 of the KCNE1 protein (p.Ser74Leu). This variant is present in population databases (rs74315446, gnomAD 0.005%). This missense change has been observed in individuals with long QT syndrome (PMID: 9354802, 31941373; internal data). It has also been observed to segregate with disease in related individuals. ClinVar contains an entry for this variant (Variation ID: 13478). Invitae Evidence Modeling of protein sequence and biophysical properties (such as structural, functional, and spatial information, amino acid conservation, physicochemical variation, residue mobility, and thermodynamic stability) indicates that this missense variant is expected to disrupt KCNE1 protein function with a positive predictive value of 95%. Experimental studies are conflicting or provide insufficient evidence to determine the effect of this variant on KCNE1 function (PMID: 9354802, 9834138, 19008479, 19907016, 32058015). For these reasons, this variant has been classified as Pathogenic.

GeneDx
Classification: Uncertain significance. Last evaluated: 2024-12-16. Review status: criteria provided, single submitter. Criteria: GeneDx Variant Classification Process June 2021. Collection method: clinical testing. Allele origin: germline. Affected: yes.
Comment: Functional studies have not been consistent in showing p.(S74L) has a damaging effect on channel function (PMID: 9354802, 32058015, 16914890, 31834838); This variant is associated with the following publications: (PMID: 19907016, 9834138, 10973849, 16914890, 36921038, 30461122, 30930557, 37162834, 29661707, 32058015, 31834838, 19008479, 31941373, 31521807, 24710009, 38816749, 9354802)

Fulgent Genetics
Classification: Uncertain significance for Jervell and Lange-Nielsen syndrome 2; Long QT syndrome 5. Last evaluated: 2021-11-01. Review status: criteria provided, single submitter. Criteria: ACMG Guidelines, 2015. Collection method: clinical testing. Allele origin: unknown.

Laboratory for Molecular Medicine, Mass General Brigham Personalized Medicine
Classification: Uncertain significance. Last evaluated: 2016-04-29. Review status: criteria provided, single submitter. Criteria: LMM Criteria. Collection method: clinical testing. Allele origin: germline. Observed: 1 variant allele.
Comment: Variant classified as Uncertain Significance - Favor Pathogenic. The p.Ser74Leu variant in KCNE1 has been previously reported in one individual with long-QT syn drome and reportedly segregated in two family members with elevated QTc interval s who did not display overt symptoms (Splawski 1997, Westenskow 2004). This vari ant has been identified in 2/66630 European chromosomes by the Exome Aggregation Consortium (ExAC; dbSNP rs74315446). Computatio nal prediction tools and conservation analysis suggest that this variant may imp act the protein. In addition, in vitro functional studies provide some evidence that the p.Ser74Leu variant may have a mild effect on the normal function of the protein (Harmer 2010, McCrossan 2009, Sesti 1998). However, these types of assa ys may not accurately represent biological function. In summary, while there is some suspicion for a pathogenic role based on the reported family and in vitro s tudies, the clinical significance of this variant is uncertain.

OMIM
Classification: Pathogenic for LONG QT SYNDROME 5. Last evaluated: 1997-11-01. Review status: no assertion criteria provided. Collection method: literature only. Allele origin: germline. Not counted in ClinVar's aggregate classification.

Cardiovascular Biomedical Research Unit, Royal Brompton & Harefield NHS Foundation Trust
No classification provided. Condition: Familial long QT syndrome. Review status: no classification provided. Collection method: literature only. Allele origin: germline. Not counted in ClinVar's aggregate classification.
Comment: This variant has been reported as associated with Long QT syndrome in the following publications (PMID:9354802;PMID:15051636;PMID:19907016). This is a literature report, and does not necessarily reflect the clinical interpretation of the Imperial College / Royal Brompton Cardiovascular Genetics laboratory.

Roden Lab, Vanderbilt University Medical Center
No classification provided (evidence only). Condition: Long QT syndrome 5. Review status: no classification provided. Collection method: in vitro. Allele origin: not applicable. Functional consequence: Effect on ion channel function. Not counted in ClinVar's aggregate classification.
ClinVar note: "not provided" was previously submitted as the classification for the variant. However, the classification appeared to be based only on an observation of functional data so it was converted to no classification on 2025-07-30.

Literature cited by the submitters: PubMed 9354802 (cited by 4 submitters); PubMed 31941373 (cited by Labcorp Genetics (formerly Invitae), Labcorp); PubMed 9834138 (cited by Labcorp Genetics (formerly Invitae), Labcorp and Laboratory for Molecular Medicine, Mass General Brigham Personalized Medicine); PubMed 19008479 (cited by Labcorp Genetics (formerly Invitae), Labcorp); PubMed 19907016 (cited by 3 submitters); PubMed 32058015 (cited by Labcorp Genetics (formerly Invitae), Labcorp); PubMed 16914890 (cited by Laboratory for Molecular Medicine, Mass General Brigham Personalized Medicine); PubMed 19219384 (cited by Laboratory for Molecular Medicine, Mass General Brigham Personalized Medicine); PubMed 15051636 (cited by Laboratory for Molecular Medicine, Mass General Brigham Personalized Medicine and Cardiovascular Biomedical Research Unit, Royal Brompton & Harefield NHS Foundation Trust); PubMed 16414944 (cited by Laboratory for Molecular Medicine, Mass General Brigham Personalized Medicine); PubMed 16945797 (cited by Laboratory for Molecular Medicine, Mass General Brigham Personalized Medicine); PubMed 19716085 (cited by Laboratory for Molecular Medicine, Mass General Brigham Personalized Medicine); PubMed 22581653 (cited by Cardiovascular Biomedical Research Unit, Royal Brompton & Harefield NHS Foundation Trust).

NM_000219.6(KCNE1):c.221C>T (p.Ser74Leu)

Gene: KCNE1 (potassium voltage-gated channel subfamily E regulatory subunit 1; minus strand). Cytogenetic location: 21q22.12.
Variant type: single nucleotide variant.
Coding change: c.221C>T on transcript NM_000219.6 (MANE Select); coding-DNA position 221, C replaced by T.
Protein change: p.Ser74Leu; replaces serine 74 with leucine.
Molecular consequence: missense variant.
Genome position (GRCh38, 1-based): chr21:34,449,414, G>A on the plus strand (C>T on the coding strand, the complement: KCNE1 is on the minus strand). VCF-style: chr21-34449414-G-A. GRCh37 (hg19) VCF-style: chr21-35821712-G-A.
Other names: c.221C>T, p.Ser74Leu (NM_001127668.4, NM_001127669.4, NM_001127670.4 and 4 more transcripts); c.221C>T (LRG_290t1); short protein forms S74L.
Identifiers: ClinVar variation 13478 (VCV000013478.17), dbSNP rs74315446, ClinGen allele CA256871.
Genomic context (GRCh38, chr21:34,449,414, plus strand): 5'-TAGGCCTTGTCCTTCTCTTGCCAGGCATCGGACTCGATGTAGACGTTGAATGGGTCGTTC[G>A]AGTGCTCCAGCTTCTTGGAGCGGATGTAGCTCAGCATGATGCCCAGGGTGAAGAAGCCGA-3'
Protein context (NP_000210.2, residues 64-84): SYIRSKKLEH[Ser74Leu]NDPFNVYIES